The following is an entry in ClinVar:

ClinVar aggregate classification (germline): Likely benign (0 of 4 stars; one submission).

Conditions:
PKD1L1-related disorder. Also called: PKD1L1-related condition.

Submission:

PreventionGenetics, part of Exact Sciences
Classification: Likely benign for PKD1L1-related condition. Last evaluated: 2024-03-08. Review status: no assertion criteria provided. Collection method: clinical testing. Allele origin: germline.
Comment: This variant is classified as likely benign based on ACMG/AMP sequence variant interpretation guidelines (Richards et al. 2015 PMID: 25741868, with internal and published modifications).

NM_138295.5(PKD1L1):c.468G>A (p.Arg156=)

Gene: PKD1L1 (polycystin 1 like 1, transient receptor potential channel interacting; minus strand). Cytogenetic location: 7p12.3.
Variant type: single nucleotide variant.
Coding change: c.468G>A on transcript NM_138295.5 (MANE Select); coding-DNA position 468, G replaced by A.
Protein change: p.Arg156=; no amino-acid change (arginine 156 retained).
Molecular consequence: synonymous variant.
Genome position (GRCh38, 1-based): chr7:47,931,987, C>T on the plus strand (G>A on the coding strand, the complement: PKD1L1 is on the minus strand). VCF-style: chr7-47931987-C-T. GRCh37 (hg19) VCF-style: chr7-47971584-C-T.
Identifiers: ClinVar variation 3348044 (VCV003348044.1).
Genomic context (GRCh38, chr7:47,931,987, plus strand): 5'-GATACCAACCTGGAGAAGAGCAGAGAATGTGCTGTCTGCGGTCCCAGTAGCACACAGCCG[C>T]CTGTGATGGAACCTGGGGCCACCACTGCTCCAGGCCCTTGCGATTATAATGAAAGGTTTG-3'
Protein context (NP_612152.1, residues 146-166): WSSGGPRFHH[Arg156=]RLCATGTADS